The following is an entry in ClinVar:

NM_001204.7(BMPR2):c.1435A>T (p.Thr479Ser)

Gene: BMPR2 (bone morphogenetic protein receptor type 2; plus strand). Cytogenetic location: 2q33.2.
Variant type: single nucleotide variant.
Coding change: c.1435A>T on transcript NM_001204.7 (MANE Select); coding-DNA position 1435, A replaced by T.
Protein change: p.Thr479Ser; replaces threonine 479 with serine.
Molecular consequence: missense variant.
Genome position (GRCh38, 1-based): chr2:202,552,737, A>T. VCF-style: chr2-202552737-A-T. GRCh37 (hg19) VCF-style: chr2-203417460-A-T.
Other names: short protein forms T479S.
Identifiers: ClinVar variation 3134598 (VCV003134598.2), dbSNP rs1688503278, ClinGen allele CA350344449.

ClinVar aggregate classification (germline): Uncertain significance (1 of 4 stars; one submission).

Conditions:
Inborn genetic diseases. Identifiers: MedGen C0950123, MeSH D030342.

Submission:

Ambry Genetics
Classification: Uncertain significance for Inborn genetic diseases. Last evaluated: 2025-09-19. Review status: criteria provided, single submitter. Criteria: Ambry Variant Classification Scheme 2023. Collection method: clinical testing. Allele origin: germline.
Comment: The p.T479S variant (also known as c.1435A>T), located in coding exon 11 of the BMPR2 gene, results from an A to T substitution at nucleotide position 1435. The threonine at codon 479 is replaced by serine, an amino acid with similar properties. This amino acid position is conserved. In addition, the in silico prediction for this alteration is inconclusive. Based on the available evidence, the clinical significance of this variant remains unclear.